The following is an entry in ClinVar:

NM_206933.4(USH2A):c.12525G>C (p.Trp4175Cys)

Gene: USH2A (usherin; minus strand). Cytogenetic location: 1q41.
Variant type: single nucleotide variant.
Coding change: c.12525G>C on transcript NM_206933.4 (MANE Select); coding-DNA position 12525, G replaced by C.
Protein change: p.Trp4175Cys; replaces tryptophan 4175 with cysteine.
Molecular consequence: missense variant.
Genome position (GRCh38, 1-based): chr1:215,675,386, C>G on the plus strand (G>C on the coding strand, the complement: USH2A is on the minus strand). VCF-style: chr1-215675386-C-G. GRCh37 (hg19) VCF-style: chr1-215848728-C-G.
Other names: short protein forms W4175C.
Identifiers: ClinVar variation 1066345 (VCV001066345.11), dbSNP rs1657987278, ClinGen allele CA344850718.
Genomic context (GRCh38, chr1:215,675,386, plus strand): 5'-GAAGCATCTGCGAATCACTTCATAGCGAATTATTTTTCCATTTGGGTTAACAGGCTCAGA[C>G]CAGCTCAGCTCAACACTGGTGGACTTCACAGAGTGGACAGTAGGAGCCAGCTGAGAGTCT-3'
Protein context (NP_996816.3, residues 4165-4185): SVKSTSVELS[Trp4175Cys]SEPVNPNGKI

ClinVar aggregate classification (germline): Pathogenic/Likely pathogenic. Review status: criteria provided, multiple submitters, no conflicts (2 of 4 stars). 3 submissions from 3 submitters: Pathogenic (1); Likely pathogenic (2). Last evaluated 2023-04-19.

Conditions:
USH2A-related disorder. Also called: USH2A-related disorders; USH2A-related condition. Identifiers: MedGen CN239332.
Retinitis pigmentosa 39 (RP39). Identifiers: Orphanet 791, MedGen C3151138, MONDO:0013436, OMIM 613809.

Submissions (3):

Baylor Genetics
Classification: Likely pathogenic for Retinitis pigmentosa 39. Last evaluated: 2023-04-19. Review status: criteria provided, single submitter. Criteria: ACMG Guidelines, 2015. Collection method: clinical testing. Allele origin: unknown.

Blueprint Genetics
Classification: Pathogenic for USH2A-related disorders. Last evaluated: 2022-09-02. Review status: criteria provided, single submitter. Criteria: ACMG Guidelines, 2015. Collection method: clinical testing. Allele origin: germline. Affected: yes. Observed: 1 variant allele.

Labcorp Genetics (formerly Invitae), Labcorp
Classification: Likely pathogenic. Last evaluated: 2020-09-17. Review status: criteria provided, single submitter. Criteria: Invitae Variant Classification Sherloc (09022015). Collection method: clinical testing. Allele origin: germline.
Comment: This variant is not present in population databases (ExAC no frequency). This sequence change replaces tryptophan with cysteine at codon 4175 of the USH2A protein (p.Trp4175Cys). The tryptophan residue is highly conserved and there is a large physicochemical difference between tryptophan and cysteine. This missense change has been observed in individual(s) with Usher syndrome or clinical features of inherited retinal disease (PMID: 19881469, 28559085, Invitae). In at least one individual the data is consistent with the variant being in trans (on the opposite chromosome) from a pathogenic variant. In summary, the currently available evidence indicates that the variant is pathogenic, but additional data are needed to prove that conclusively. Therefore, this variant has been classified as Likely Pathogenic. This variant disrupts the p.Trp4175 amino acid residue in USH2A. Other variant(s) that disrupt this residue have been observed in individuals with USH2A-related conditions (PMID: 26352687), which suggests that this may be a clinically significant amino acid residue. Algorithms developed to predict the effect of missense changes on protein structure and function are either unavailable or do not agree on the potential impact of this missense change (SIFT: "Deleterious"; PolyPhen-2: "Probably Damaging"; Align-GVGD: "Class C0").

Literature cited by the submitters: PubMed 19881469 (cited by Labcorp Genetics (formerly Invitae), Labcorp); PubMed 28559085 (cited by Labcorp Genetics (formerly Invitae), Labcorp); PubMed 26352687 (cited by Labcorp Genetics (formerly Invitae), Labcorp).